The following is an entry in ClinVar:

NM_024757.5(EHMT1):c.190A>G (p.Ser64Gly)

Gene: EHMT1 (euchromatic histone lysine methyltransferase 1; plus strand). Cytogenetic location: 9q34.3.
Variant type: single nucleotide variant.
Coding change: c.190A>G on transcript NM_024757.5 (MANE Select); coding-DNA position 190, A replaced by G.
Protein change: p.Ser64Gly; replaces serine 64 with glycine.
Molecular consequence: missense variant.
Genome position (GRCh38, 1-based): chr9:137,716,730, A>G. VCF-style: chr9-137716730-A-G. GRCh37 (hg19) VCF-style: chr9-140611182-A-G.
Other names: c.190A>G, p.Ser64Gly (NM_001145527.2, NM_001354263.2, NM_001354611.2); c.97A>G, p.Ser33Gly (NM_001354259.2, NM_001354612.2); short protein forms S33G, S64G.
Identifiers: ClinVar variation 2919836 (VCV002919836.3), dbSNP rs1945348553, ClinGen allele CA375763014.

ClinVar aggregate classification (germline): Uncertain significance (1 of 4 stars; one submission).

Conditions:
Kleefstra syndrome 1 (KLEFS1). Identifiers: Orphanet 261494, MedGen C0795833, MONDO:0027407, OMIM 610253.

Allele frequency attached by ClinVar (database versions not stated): gnomAD 0.00001; TOPMed 0.00002.
gnomAD v4.1: 3 of 1,612,356 alleles (0.00019%); highest among the groups gnomAD compares: South Asian, 0.0022%; no homozygotes.

Submission:

Labcorp Genetics (formerly Invitae), Labcorp
Classification: Uncertain significance for Kleefstra syndrome 1. Last evaluated: 2025-08-31. Review status: criteria provided, single submitter. Criteria: Invitae Variant Classification Sherloc (09022015). Collection method: clinical testing. Allele origin: germline.
Comment: This sequence change replaces serine, which is neutral and polar, with glycine, which is neutral and non-polar, at codon 64 of the EHMT1 protein (p.Ser64Gly). This variant is not present in population databases (gnomAD no frequency). This missense change has been observed in individual(s) with EHMT1-related conditions (PMID: 33057194, 35982159). ClinVar contains an entry for this variant (Variation ID: 2919836). An algorithm developed to predict the effect of missense changes on protein structure and function outputs the following: PolyPhen-2: "Benign". The glycine amino acid residue is found in multiple mammalian species, which suggests that this missense change does not adversely affect protein function. In summary, the available evidence is currently insufficient to determine the role of this variant in disease. Therefore, it has been classified as a Variant of Uncertain Significance.

Literature cited by the submitters: PubMed 33057194; PubMed 35982159.